The following is an entry in ClinVar:

ClinVar aggregate classification (germline): Likely benign. Review status: criteria provided, multiple submitters, no conflicts (2 of 4 stars). 3 submissions from 3 submitters: Likely benign (2). 1 of the submissions does not count toward it. Last evaluated 2025-10-23.

Conditions:
COL11A1-related disorder. Also called: COL11A1-related condition; COL11A1-related disorders.

Allele frequency attached by ClinVar (database versions not stated): gnomAD 0.00001.
gnomAD v4.1: 40 of 1,599,736 alleles (0.0025%); highest among the groups gnomAD compares: South Asian, 0.024%; no homozygotes.

Submissions (3):

Labcorp Genetics (formerly Invitae), Labcorp
Classification: Likely benign. Last evaluated: 2025-10-23. Review status: criteria provided, single submitter. Criteria: Invitae Variant Classification Sherloc (09022015). Collection method: clinical testing. Allele origin: germline.

Blueprint Genetics
Classification: Likely benign. Last evaluated: 2024-10-14. Review status: criteria provided, single submitter. Criteria: ACMG Guidelines, 2015. Collection method: clinical testing. Allele origin: germline.

PreventionGenetics, part of Exact Sciences
Classification: Likely benign for COL11A1-related condition. Last evaluated: 2022-02-10. Review status: no assertion criteria provided. Collection method: clinical testing. Allele origin: germline. Not counted in ClinVar's aggregate classification.
Comment: This variant is classified as likely benign based on ACMG/AMP sequence variant interpretation guidelines (Richards et al. 2015 PMID: 25741868, with internal and published modifications).

NM_001854.4(COL11A1):c.652-14T>G

Gene: COL11A1 (collagen type XI alpha 1 chain; minus strand). Cytogenetic location: 1p21.1.
Variant type: single nucleotide variant.
Coding change: c.652-14T>G on transcript NM_001854.4 (MANE Select); 14 bases into the intron before coding-DNA position 652, T replaced by G.
Molecular consequence: intron variant.
Genome position (GRCh38, 1-based): chr1:103,031,258, A>C on the plus strand (T>G on the coding strand, the complement: COL11A1 is on the minus strand). VCF-style: chr1-103031258-A-C. GRCh37 (hg19) VCF-style: chr1-103496814-A-C.
Other names: c.652-14T>G (NM_001190709.2, NM_080629.3, NM_080630.4).
Identifiers: ClinVar variation 3055905 (VCV003055905.5), dbSNP rs759287995, ClinGen allele CA975367.